The following is an entry in ClinVar:

NM_182915.3(STEAP3):c.837C>T (p.Leu279=)

Genes: STEAP3 (STEAP3 metalloreductase; plus strand), STEAP3-AS1 (STEAP3 antisense RNA 1; minus strand). Cytogenetic location: 2q14.2.
Variant type: single nucleotide variant.
Coding change: c.837C>T on transcript NM_182915.3 (MANE Select); coding-DNA position 837, C replaced by T.
Protein change: p.Leu279=; no amino-acid change (leucine 279 retained).
Molecular consequence: synonymous variant.
Genome position (GRCh38, 1-based): chr2:119,247,993, C>T. VCF-style: chr2-119247993-C-T. GRCh37 (hg19) VCF-style: chr2-120005569-C-T.
Other names: c.807C>T (NM_001008410.1); c.807C>T, p.Leu269= (NM_001008410.2, NM_018234.3, NM_138637.3).
Identifiers: ClinVar variation 1538432 (VCV001538432.11), dbSNP rs17805141, ClinGen allele CA1846711.

ClinVar aggregate classification (germline): Benign. Review status: criteria provided, multiple submitters, no conflicts (2 of 4 stars). 3 submissions from 3 submitters: Benign (2). 1 of the submissions does not count toward it. Last evaluated 2026-01-27.

Conditions:
STEAP3-related disorder. Also called: STEAP3-related condition.

Allele frequency attached by ClinVar (database versions not stated): gnomAD 0.04030 and 0.04191; ESP Exome Variant Server 0.04459; gnomAD exomes 0.05215; ExAC 0.05316; TOPMed 0.03718; 1000 Genomes Project 0.03854; 1000 Genomes Project 30x 0.03857.

Submissions (3):

Labcorp Genetics (formerly Invitae), Labcorp
Classification: Benign. Last evaluated: 2026-01-27. Review status: criteria provided, single submitter. Criteria: Invitae Variant Classification Sherloc (09022015). Collection method: clinical testing. Allele origin: germline.

Breakthrough Genomics
Classification: Benign. Review status: criteria provided, single submitter. Criteria: ACMG Guidelines, 2015. Collection method: not provided. Allele origin: germline. Inheritance: Autosomal dominant inheritance. Affected: yes.

PreventionGenetics, part of Exact Sciences
Classification: Benign for STEAP3-related condition. Last evaluated: 2019-10-28. Review status: no assertion criteria provided. Collection method: clinical testing. Allele origin: germline. Not counted in ClinVar's aggregate classification.
Comment: This variant is classified as benign based on ACMG/AMP sequence variant interpretation guidelines (Richards et al. 2015 PMID: 25741868, with internal and published modifications).